The following is an entry in ClinVar:

NM_001113378.2(FANCI):c.483dup (p.Asn162Ter)

Gene: FANCI (FA complementation group I; plus strand). Cytogenetic location: 15q26.1.
Variant type: Duplication.
Coding change: c.483dup on transcript NM_001113378.2 (MANE Select); coding-DNA position 483, one base duplicated (T; older notation c.483dupT).
Protein change: p.Asn162Ter; replaces asparagine 162 with a stop codon.
Molecular consequence: nonsense.
Genome position (GRCh38, 1-based): chr15:89,261,858, T duplicated; the last of 2 consecutive T bases (chr15:89,261,857-89,261,858); duplicating either gives the same sequence. VCF-style (leftmost placement, unchanged base first): chr15-89261856-A-AT. GRCh37 (hg19) VCF-style: chr15-89805087-A-AT.
Other names: c.204dup, p.Asn69Ter (NM_001376910.1); c.483dup, p.Asn162Ter (NM_001376911.1, NM_018193.3); short protein forms N69*, N162*.
Identifiers: ClinVar variation 2702959 (VCV002702959.3), dbSNP rs2505911861, ClinGen allele CA2575827551.

ClinVar aggregate classification (germline): Pathogenic (1 of 4 stars; one submission).

Conditions:
Fanconi anemia (FA). Also called: Fanconi's anemia. Identifiers: Orphanet 84, MedGen C0015625, MeSH D005199, MONDO:0019391.

Submission:

Labcorp Genetics (formerly Invitae), Labcorp
Classification: Pathogenic for Fanconi anemia. Last evaluated: 2023-06-09. Review status: criteria provided, single submitter. Criteria: Invitae Variant Classification Sherloc (09022015). Collection method: clinical testing. Allele origin: germline.
Comment: This sequence change creates a premature translational stop signal (p.Asn162*) in the FANCI gene. It is expected to result in an absent or disrupted protein product. Loss-of-function variants in FANCI are known to be pathogenic (PMID: 17452773, 17460694). This variant is not present in population databases (gnomAD no frequency). This variant has not been reported in the literature in individuals affected with FANCI-related conditions. For these reasons, this variant has been classified as Pathogenic.

Literature cited by the submitters: PubMed 17452773; PubMed 17460694.